The following is an entry in ClinVar:

NM_003737.4(DCHS1):c.9643T>A (p.Ser3215Thr)

Gene: DCHS1 (dachsous cadherin-related 1; minus strand). Cytogenetic location: 11p15.4.
Variant type: single nucleotide variant.
Coding change: c.9643T>A on transcript NM_003737.4 (MANE Select); coding-DNA position 9643, T replaced by A.
Protein change: p.Ser3215Thr; replaces serine 3215 with threonine.
Molecular consequence: missense variant.
Genome position (GRCh38, 1-based): chr11:6,622,033, A>T on the plus strand (T>A on the coding strand, the complement: DCHS1 is on the minus strand). VCF-style: chr11-6622033-A-T. GRCh37 (hg19) VCF-style: chr11-6643264-A-T.
Other names: short protein forms S3215T.
Identifiers: ClinVar variation 2994084 (VCV002994084.3), dbSNP rs1855701301, ClinGen allele CA379478329.
Genomic context (GRCh38, chr11:6,622,033, plus strand): 5'-GAGAAGCTGGTGGGAAGATGGCCCGGGCTGCAGCTGTGTTTGCTGGCTTGGGGGGCACAG[A>T]CTTGGCTCCTGGGTGGGCCACGGCAGTGATGAGGGGTGGTGGGTCGATACGGGGAGCTGG-3'
Protein context (NP_003728.1, residues 3205-3225): ITAVAHPGAK[Ser3215Thr]VPPKPANTAA

ClinVar aggregate classification (germline): Uncertain significance (1 of 4 stars; one submission).

Submission:

Labcorp Genetics (formerly Invitae), Labcorp
Classification: Uncertain significance. Last evaluated: 2023-01-12. Review status: criteria provided, single submitter. Criteria: Invitae Variant Classification Sherloc (09022015). Collection method: clinical testing. Allele origin: germline.
Comment: This variant is not present in population databases (gnomAD no frequency). In summary, the available evidence is currently insufficient to determine the role of this variant in disease. Therefore, it has been classified as a Variant of Uncertain Significance. Advanced modeling of protein sequence and biophysical properties (such as structural, functional, and spatial information, amino acid conservation, physicochemical variation, residue mobility, and thermodynamic stability) performed at Invitae indicates that this missense variant is not expected to disrupt DCHS1 protein function. This variant has not been reported in the literature in individuals affected with DCHS1-related conditions. This sequence change replaces serine, which is neutral and polar, with threonine, which is neutral and polar, at codon 3215 of the DCHS1 protein (p.Ser3215Thr).